The following is an entry in ClinVar:

ClinVar aggregate classification (germline): Benign. Review status: criteria provided, multiple submitters, no conflicts (2 of 4 stars). 8 submissions from 8 submitters: Benign (8). Last evaluated 2026-02-04.

Conditions:
Kindler syndrome (KNDLRS). Also called: Hereditary acrokeratotic poikiloderma of Weary; Poikiloderma of Kindler; Congenital bullous poikiloderma; Kindler's syndrome; POIKILODERMA, CONGENITAL, WITH BULLAE, WEARY TYPE; POIKILODERMA, HEREDITARY ACROKERATOTIC. Identifiers: Orphanet 2908, Orphanet 306539, MedGen C0406557, MONDO:0008260, OMIM 173650.

Allele frequency attached by ClinVar (database versions not stated): ESP Exome Variant Server 0.06589; gnomAD 0.41170 and 0.41177; TOPMed 0.43401; 1000 Genomes Project 30x 0.45175; 1000 Genomes Project 0.45707; gnomAD exomes 0.38174 and 0.40423; ExAC 0.39778.
gnomAD v4.1: 621,158 of 1,611,858 alleles (39%); highest among the groups gnomAD compares: East Asian, 65%; 123,102 homozygotes.

Submissions (8):

Labcorp Genetics (formerly Invitae), Labcorp
Classification: Benign. Last evaluated: 2026-02-04. Review status: criteria provided, single submitter. Criteria: Invitae Variant Classification Sherloc (09022015). Collection method: clinical testing. Allele origin: germline.

Unidad de Genómica Garrahan, Hospital de Pediatría Garrahan
Classification: Benign. Last evaluated: 2024-01-24. Review status: criteria provided, single submitter. Criteria: ACMG Guidelines, 2015. Collection method: clinical testing. Allele origin: germline. Affected: no. Observed: 65 variant alleles.
Comment: This variant is classified as Benign based on local population frequency. This variant was detected in 74% of patients studied by a panel of primary immunodeficiencies. Number of patients: 65. Only high quality variants are reported.

Mayo Clinic Laboratories, Mayo Clinic
Classification: Benign. Last evaluated: 2022-09-06. Review status: criteria provided, single submitter. Criteria: ACMG Guidelines, 2015. Collection method: clinical testing. Allele origin: germline. Observed: 96 variant alleles.

Genome-Nilou Lab
Classification: Benign for Kindler syndrome. Last evaluated: 2021-08-10. Review status: criteria provided, single submitter. Criteria: ACMG Guidelines, 2015. Collection method: clinical testing. Allele origin: germline. Affected: no.

GeneDx
Classification: Benign. Last evaluated: 2018-11-11. Review status: criteria provided, single submitter. Criteria: GeneDx Variant Classification Process June 2021. Collection method: clinical testing. Allele origin: germline. Affected: yes.

Illumina Laboratory Services, Illumina
Classification: Benign for Kindler syndrome. Last evaluated: 2018-01-12. Review status: criteria provided, single submitter. Criteria: ICSL Variant Classification Criteria 13 December 2019. Collection method: clinical testing. Allele origin: germline.
Comment: This variant was observed in the ICSL laboratory as part of a predisposition screen in an ostensibly healthy population. It had not been previously curated by ICSL or reported in the Human Gene Mutation Database (HGMD: prior to June 1st, 2018), and was therefore a candidate for classification through an automated scoring system. Utilizing variant allele frequency, disease prevalence and penetrance estimates, and inheritance mode, an automated score was calculated to assess if this variant is too frequent to cause the disease. Based on the score and internal cut-off values, a variant classified as benign is not then subjected to further curation. The score for this variant resulted in a classification of benign for this disease.

Breakthrough Genomics
Classification: Benign. Review status: criteria provided, single submitter. Criteria: ACMG Guidelines, 2015. Collection method: not provided. Allele origin: germline. Inheritance: Autosomal recessive inheritance. Affected: yes.

PreventionGenetics, part of Exact Sciences
Classification: Benign. Review status: criteria provided, single submitter. Criteria: ACMG Guidelines, 2015. Collection method: clinical testing. Allele origin: germline.

NM_017671.5(FERMT1):c.1575A>G (p.Lys525=)

Gene: FERMT1 (FERM domain containing kindlin 1; minus strand). Cytogenetic location: 20p12.3.
Variant type: single nucleotide variant.
Coding change: c.1575A>G on transcript NM_017671.5 (MANE Select); coding-DNA position 1575, A replaced by G.
Protein change: p.Lys525=; no amino-acid change (lysine 525 retained).
Molecular consequence: synonymous variant.
Genome position (GRCh38, 1-based): chr20:6,085,084, T>C on the plus strand (A>G on the coding strand, the complement: FERMT1 is on the minus strand). VCF-style: chr20-6085084-T-C. GRCh37 (hg19) VCF-style: chr20-6065731-T-C.
Other names: p.Lys525=.
Identifiers: ClinVar variation 260866 (VCV000260866.21), dbSNP rs2232073, ClinGen allele CA9758112.
Genomic context (GRCh38, chr20:6,085,084, plus strand): 5'-AGAATTTACTGCAAACAATTGCCCTAACAAGATTAACAGTACCTGTTTGGATTTGTGTCT[T>C]TTTGCACACCGTGGTGACACAAAACATTCTGGGTTCATATCCATGTTTTCGAGACTGGAA-3'
Protein context (NP_060141.3, residues 515-535): PECFVSPRCA[Lys525=]RHKSKQLAAR